The following is an entry in ClinVar:

NM_001762.4(CCT6A):c.748dup (p.Tyr250fs)

Gene: CCT6A (chaperonin containing TCP1 subunit 6A; plus strand). Cytogenetic location: 7p11.2.
Variant type: Duplication.
Coding change: c.748dup on transcript NM_001762.4 (MANE Select); coding-DNA position 748, one base duplicated (T; older notation c.748dupT).
Protein change: p.Tyr250fs; shifts the reading frame from tyrosine 250.
Molecular consequence: frameshift variant.
Genome position (GRCh38, 1-based): chr7:56,058,384, T duplicated; the last of 7 consecutive T bases (chr7:56,058,378-56,058,384); duplicating any one gives the same sequence. VCF-style (leftmost placement, unchanged base first): chr7-56058377-C-CT. GRCh37 (hg19) VCF-style: chr7-56126070-C-CT.
Other names: c.613dup, p.Tyr205fs (NM_001009186.2); short protein forms Y205fs, Y250fs.
Identifiers: ClinVar variation 4845400 (VCV004845400.1).

ClinVar aggregate classification (germline): Uncertain significance (1 of 4 stars; one submission).

Conditions:
CCT6A-associated neurodevelopmental disorder.

Submission:

Institute of Human Genetics, University of Leipzig Medical Center
Classification: Uncertain significance for CCT6A-associated neurodevelopmental disorder. Last evaluated: 2026-03-02. Review status: criteria provided, single submitter. Criteria: ACMG Guidelines, 2015. Collection method: clinical testing. Allele origin: unknown. Inheritance: Autosomal dominant inheritance. Affected: yes.
Comment: Criteria applied: PVS1_STR,PM2_SUP

Literature cited by the submitters: PubMed 39480921.